The following is an entry in ClinVar:

ClinVar aggregate classification (germline): Uncertain significance (1 of 4 stars; one submission).

Conditions:
Familial adenomatous polyposis 1 (FAP1). Also called: FAMILIAL ADENOMATOUS POLYPOSIS 1, ATTENUATED; POLYPOSIS, ADENOMATOUS INTESTINAL. Identifiers: MedGen C2713442, MONDO:0021056, OMIM 175100. Disease mechanism: loss of function.

Submission:

Labcorp Genetics (formerly Invitae), Labcorp
Classification: Uncertain significance for Familial adenomatous polyposis 1. Last evaluated: 2024-03-21. Review status: criteria provided, single submitter. Criteria: Invitae Variant Classification Sherloc (09022015). Collection method: clinical testing. Allele origin: germline.
Comment: This sequence change replaces glycine, which is neutral and non-polar, with valine, which is neutral and non-polar, at codon 859 of the APC protein (p.Gly859Val). This variant is not present in population databases (gnomAD no frequency). This variant has not been reported in the literature in individuals affected with APC-related conditions. Advanced modeling of protein sequence and biophysical properties (such as structural, functional, and spatial information, amino acid conservation, physicochemical variation, residue mobility, and thermodynamic stability) performed at Invitae indicates that this missense variant is not expected to disrupt APC protein function with a negative predictive value of 95%. In summary, the available evidence is currently insufficient to determine the role of this variant in disease. Therefore, it has been classified as a Variant of Uncertain Significance.

NM_000038.6(APC):c.2576G>T (p.Gly859Val)

Gene: APC (APC regulator of Wnt signaling pathway; plus strand). Cytogenetic location: 5q22.2.
Variant type: single nucleotide variant.
Coding change: c.2576G>T on transcript NM_000038.6 (MANE Select); coding-DNA position 2576, G replaced by T.
Protein change: p.Gly859Val; replaces glycine 859 with valine.
Molecular consequence: missense variant. On other transcripts: non-coding transcript variant (2).
Genome position (GRCh38, 1-based): chr5:112,838,170, G>T. VCF-style: chr5-112838170-G-T. GRCh37 (hg19) VCF-style: chr5-112173867-G-T.
Other names: c.2576G>T, p.Gly859Val (NM_001127510.3, NM_001354895.2, NM_001407450.1); c.2522G>T, p.Gly841Val (NM_001127511.3); c.2630G>T, p.Gly877Val (NM_001354896.2, NM_001407447.1, NM_001407448.1 and 1 more transcripts); c.2606G>T, p.Gly869Val (NM_001354897.2); c.2501G>T, p.Gly834Val (NM_001354898.2); c.2492G>T, p.Gly831Val (NM_001354899.2); c.2453G>T, p.Gly818Val (NM_001354900.2); c.2399G>T, p.Gly800Val (NM_001354901.2, NM_001407453.1); and 11 more; short protein forms G475V, G576V, G699V, G730V, G733V, G758V, G768V, G776V.
Identifiers: ClinVar variation 3617683 (VCV003617683.2).
Genomic context (GRCh38, chr5:112,838,170, plus strand): 5'-GAAGCTTAGATAGTTCTCGTTCTGAAAAAGATAGAAGTTTGGAGAGAGAACGCGGAATTG[G>T]TCTAGGCAACTACCATCCAGCAACAGAAAATCCAGGAACTTCTTCAAAGCGAGGTTTGCA-3'
Protein context (NP_000029.2, residues 849-869): DRSLERERGI[Gly859Val]LGNYHPATEN